The following is an entry in ClinVar:

ClinVar aggregate classification (germline): Likely benign. Review status: criteria provided, multiple submitters, no conflicts (2 of 4 stars). 3 submissions from 3 submitters: Likely benign (3). Last evaluated 2026-01-19.

Conditions:
Wilson disease (WND). Also called: Wilson's disease. Identifiers: Orphanet 905, MedGen C0019202, MONDO:0010200, OMIM 277900. Disease mechanism: loss of function.

Allele frequency attached by ClinVar (database versions not stated): gnomAD 0.00001; TOPMed 0.00001; gnomAD exomes 0.00003.
gnomAD v4.1: 46 of 1,613,918 alleles (0.0029%); highest among the groups gnomAD compares: Non-Finnish European, 0.0038%; no homozygotes.

Submissions (3):

Labcorp Genetics (formerly Invitae), Labcorp
Classification: Likely benign for Wilson disease. Last evaluated: 2026-01-19. Review status: criteria provided, single submitter. Criteria: Invitae Variant Classification Sherloc (09022015). Collection method: clinical testing. Allele origin: germline.

All of Us Research Program, National Institutes of Health
Classification: Likely benign for Wilson disease. Last evaluated: 2023-12-01. Review status: criteria provided, single submitter. Criteria: ACMG Guidelines, 2015. Collection method: clinical testing. Allele origin: germline. Inheritance: Autosomal recessive inheritance. Observed: 4 variant alleles, 4 heterozygotes.
Comment: This study involves interpretation of variants in research participants for the purpose of population health screening. Participant phenotype was not available at the time of variant classification. Additional details can be found in publication PMID: 35346344, PMCID: PMC8962531

Color Diagnostics, LLC DBA Color Health
Classification: Likely benign for Wilson disease. Last evaluated: 2022-06-17. Review status: criteria provided, single submitter. Criteria: ACMG Guidelines, 2015. Collection method: clinical testing. Allele origin: germline.

NM_000053.4(ATP7B):c.3876C>T (p.Ile1292=)

Gene: ATP7B (ATPase copper transporting beta; minus strand). Cytogenetic location: 13q14.3.
Variant type: single nucleotide variant.
Coding change: c.3876C>T on transcript NM_000053.4 (MANE Select); coding-DNA position 3876, C replaced by T.
Protein change: p.Ile1292=; no amino-acid change (isoleucine 1292 retained).
Molecular consequence: synonymous variant.
Genome position (GRCh38, 1-based): chr13:51,937,503, G>A on the plus strand (C>T on the coding strand, the complement: ATP7B is on the minus strand). VCF-style: chr13-51937503-G-A. GRCh37 (hg19) VCF-style: chr13-52511639-G-A.
Other names: c.3255C>T, p.Ile1085= (NM_001005918.3); c.3543C>T, p.Ile1181= (NM_001243182.2); c.3642C>T, p.Ile1214= (NM_001330578.2); c.3624C>T, p.Ile1208= (NM_001330579.2).
Identifiers: ClinVar variation 1109908 (VCV001109908.10), dbSNP rs978231751, ClinGen allele CA250073562.
Genomic context (GRCh38, chr13:51,937,503, plus strand): 5'-CAGCACCCACAGCCTGGCTGCAGCCACGCTCACTCTGATAAGGACGACGTCGGCTGCCTC[G>A]ATGGCCACATCCGTGCCGGTGCCAATGGCCACACCCATGTCTGCCTGGGCCAAGGCCGGG-3'
Protein context (NP_000044.2, residues 1282-1302): VAIGTGTDVA[Ile1292=]EAADVVLIRN